The following is an entry in ClinVar:

NM_001308093.3(GATA4):c.1077C>G (p.Ser359Arg)

Gene: GATA4 (GATA binding protein 4). Cytogenetic location: 8p23.1.
Variant type: single nucleotide variant.
Coding change: c.1077C>G on transcript NM_001308093.3 (MANE Select); coding-DNA position 1077, C replaced by G.
Protein change: p.Ser359Arg; replaces serine 359 with arginine.
Molecular consequence: missense variant.
Genome position (GRCh38, 1-based): chr8:11,757,011, C>G. VCF-style: chr8-11757011-C-G. GRCh37 (hg19) VCF-style: chr8-11614520-C-G.
Other names: c.456C>G, p.Ser152Arg (NM_001308094.2, NM_001374273.1); c.330C>G, p.Ser110Arg (NM_001374274.1); c.1074C>G, p.Ser358Arg (NM_002052.5); short protein forms S358R, S110R, S152R, S359R.
Identifiers: ClinVar variation 1988080 (VCV001988080.4), dbSNP rs375407669, ClinGen allele CA370315368.

ClinVar aggregate classification (germline): Uncertain significance (1 of 4 stars; one submission).

Conditions:
Atrioventricular septal defect 4 (AVSD4). Identifiers: MedGen C3280781, MONDO:0013747, OMIM 614430.

Submission:

Labcorp Genetics (formerly Invitae), Labcorp
Classification: Uncertain significance for Atrioventricular septal defect 4. Last evaluated: 2024-06-17. Review status: criteria provided, single submitter. Criteria: Invitae Variant Classification Sherloc (09022015). Collection method: clinical testing. Allele origin: germline.
Comment: This sequence change replaces serine, which is neutral and polar, with arginine, which is basic and polar, at codon 358 of the GATA4 protein (p.Ser358Arg). This variant is not present in population databases (gnomAD no frequency). This variant has not been reported in the literature in individuals affected with GATA4-related conditions. ClinVar contains an entry for this variant (Variation ID: 1988080). Advanced modeling of protein sequence and biophysical properties (such as structural, functional, and spatial information, amino acid conservation, physicochemical variation, residue mobility, and thermodynamic stability) performed at Invitae indicates that this missense variant is not expected to disrupt GATA4 protein function with a negative predictive value of 80%. In summary, the available evidence is currently insufficient to determine the role of this variant in disease. Therefore, it has been classified as a Variant of Uncertain Significance.